The following is an entry in ClinVar:

ClinVar aggregate classification (germline): Conflicting classifications of pathogenicity. Review status: criteria provided, conflicting classifications (1 of 4 stars). 4 submissions from 4 submitters: Uncertain significance (1); Likely benign (2). 1 of the submissions does not count toward it. Last evaluated 2026-01-16.

Conditions:
Usher syndrome type 1D (USH1D). Also called: USHER SYNDROME, TYPE ID. Identifiers: Orphanet 231169, Orphanet 886, MedGen C1832845, MONDO:0010984, OMIM 601067.
CDH23-related disorder. Also called: CDH23-related condition; CDH23-related disorders.

Allele frequency attached by ClinVar (database versions not stated): gnomAD exomes 0.00005; TOPMed 0.00005; gnomAD 0.00003 and 0.00004; ExAC 0.00004.
gnomAD v4.1: 61 of 1,613,370 alleles (0.0038%); highest among the groups gnomAD compares: Middle Eastern, 0.016%; no homozygotes.

Submissions (4):

Labcorp Genetics (formerly Invitae), Labcorp
Classification: Likely benign. Last evaluated: 2026-01-16. Review status: criteria provided, single submitter. Criteria: Invitae Variant Classification Sherloc (09022015). Collection method: clinical testing. Allele origin: germline.

PreventionGenetics, part of Exact Sciences
Classification: Likely benign for CDH23-related condition. Last evaluated: 2025-10-11. Review status: criteria provided, single submitter. Criteria: ACMG Guidelines, 2015. Collection method: clinical testing. Allele origin: germline.
Comment: This variant is classified as likely benign based on ACMG/AMP sequence variant interpretation guidelines (Richards et al. 2015 PMID: 25741868, with internal and published modifications).

Laboratory for Molecular Medicine, Mass General Brigham Personalized Medicine
Classification: Uncertain significance. Last evaluated: 2016-10-18. Review status: criteria provided, single submitter. Criteria: LMM Criteria. Collection method: clinical testing. Allele origin: germline. Observed: 1 variant allele.
Comment: The c.1450-10G>A variant in CDH23 has not been previously reported in individual s with hearing loss or Usher syndrome. It has been identified in 4/66404 Europe an chromosomes by the Exome Aggregation Consortium (ExAC; dbSNP rs751220612); however, its frequency is not high enough to rule out a pathogenic role. This variant is located in the 3' splice region. Computat ional tools do not suggest an impact to splicing. However, this information is n ot predictive enough to rule out pathogenicity. In summary, the clinical signifi cance of the c.1450-10G>A variant is uncertain.

Biochemical Molecular Genetic Laboratory, King Abdulaziz Medical City
Classification: Uncertain significance for Usher syndrome type 1D. Last evaluated: 2019-09-26. Review status: no assertion criteria provided. Collection method: clinical testing. Allele origin: germline. Affected: yes. Not counted in ClinVar's aggregate classification.

NM_022124.6(CDH23):c.1450-10G>A

Gene: CDH23 (cadherin related 23; plus strand). Cytogenetic location: 10q22.1.
Variant type: single nucleotide variant.
Coding change: c.1450-10G>A on transcript NM_022124.6 (MANE Select); 10 bases into the intron before coding-DNA position 1450, G replaced by A.
Molecular consequence: intron variant.
Genome position (GRCh38, 1-based): chr10:71,675,102, G>A. VCF-style: chr10-71675102-G-A. GRCh37 (hg19) VCF-style: chr10-73434859-G-A.
Other names: c.1450-10G>A (NM_001171930.2, NM_001171931.2).
Identifiers: ClinVar variation 505355 (VCV000505355.16), dbSNP rs751220612, ClinGen allele CA5543845.